The following is an entry in ClinVar:

ClinVar aggregate classification (germline): Uncertain significance. Review status: criteria provided, multiple submitters, no conflicts (2 of 4 stars). 3 submissions from 3 submitters: Uncertain significance (2). 1 of the submissions does not count toward it. Last evaluated 2022-01-28.

Conditions:
Intellectual disability. Also called: intellectual disabilities; Intellectual functioning disability; Intellectual developmental disorder. Identifiers: MedGen C3714756, MeSH D008607, MONDO:0001071, HP:0001249.

Allele frequency attached by ClinVar (database versions not stated): gnomAD exomes below 0.00001 and 0.00001; TOPMed below 0.00001.
gnomAD v4.1: 12 of 1,613,992 alleles (0.00074%); highest among the groups gnomAD compares: Non-Finnish European, 0.00093%; no homozygotes.

Submissions (3):

Blueprint Genetics
Classification: Uncertain significance. Last evaluated: 2022-01-28. Review status: criteria provided, single submitter. Criteria: ACMG Guidelines, 2015. Collection method: clinical testing. Allele origin: germline.

GeneDx
Classification: Uncertain significance. Last evaluated: 2016-02-09. Review status: criteria provided, single submitter. Criteria: GeneDx Variant Classification (06012015). Collection method: clinical testing. Allele origin: germline. Affected: yes.
Comment: The P308A variant in the ANKH gene has not been reported previously as a pathogenic variant, noras a benign variant, to our knowledge. The P308A variant was not observed in approximately 6500individuals of European and African American ancestry in the NHLBI Exome Sequencing Project,indicating it is not a common benign variant in these populations. The P308A variant is asemi-conservative amino acid substitution, which may impact secondary protein structure as theseresidues differ in some properties. This substitution occurs at a position that is conserved acrossspecies. In silico analysis predicts this variant is probably damaging to the protein structure/function.We interpret P308A as a variant of uncertain significance.

Centre de Biologie Pathologie Génétique, Centre Hospitalier Universitaire de Lille
Classification: Uncertain significance for Intellectual disability. Last evaluated: 2019-01-01. Review status: no assertion criteria provided. Collection method: clinical testing. Allele origin: unknown. Affected: yes. Not counted in ClinVar's aggregate classification.

NM_054027.6(ANKH):c.922C>G (p.Pro308Ala)

Gene: ANKH (ANKH inorganic pyrophosphate transport regulator; minus strand). Cytogenetic location: 5p15.2.
Variant type: single nucleotide variant.
Coding change: c.922C>G on transcript NM_054027.6 (MANE Select); coding-DNA position 922, C replaced by G.
Protein change: p.Pro308Ala; replaces proline 308 with alanine.
Molecular consequence: missense variant.
Genome position (GRCh38, 1-based): chr5:14,741,916, G>C on the plus strand (C>G on the coding strand, the complement: ANKH is on the minus strand). VCF-style: chr5-14741916-G-C. GRCh37 (hg19) VCF-style: chr5-14742025-G-C.
Other names: short protein forms P308A.
Identifiers: ClinVar variation 383180 (VCV000383180.4), dbSNP rs1057521543, ClinGen allele CA16605289.
Genomic context (GRCh38, chr5:14,741,916, plus strand): 5'-TGAACTTCTTGATGTGGGCTGCCGTGACTGTGTTGCTCGTGCTCACCAGTTTGTTGCTGG[G>C]GTTATTCTGGGGAAAGAAAACCACAGTCATGAATGGGCCCGGCTTATCCTTGGCTGAACC-3'
Protein context (NP_473368.1, residues 298-318): AVYPAFDKNN[Pro308Ala]SNKLVSTSNT